The following is an entry in ClinVar:

NM_007294.4(BRCA1):c.1867C>T (p.Leu623Phe)

Gene: BRCA1 (BRCA1 DNA repair associated; minus strand). Cytogenetic location: 17q21.31.
Variant type: single nucleotide variant.
Coding change: c.1867C>T on transcript NM_007294.4 (MANE Select); coding-DNA position 1867, C replaced by T.
Protein change: p.Leu623Phe; replaces leucine 623 with phenylalanine.
Molecular consequence: missense variant. On other transcripts: intron variant (137).
Genome position (GRCh38, 1-based): chr17:43,093,664, G>A on the plus strand (C>T on the coding strand, the complement: BRCA1 is on the minus strand). VCF-style: chr17-43093664-G-A. GRCh37 (hg19) VCF-style: chr17-41245681-G-A.
Other names: c.1657C>T, p.Leu553Phe (NM_001407907.1, NM_001407908.1, NM_001407909.1 and 13 more transcripts); c.1654C>T, p.Leu552Phe (NM_001407915.1, NM_001407916.1, NM_001407917.1 and 9 more transcripts); c.1744C>T, p.Leu582Phe (NM_001407919.1, NM_001407648.1, NM_001407664.1 and 19 more transcripts); c.1603C>T, p.Leu535Phe (NM_001407920.1, NM_001407921.1, NM_001407922.1 and 9 more transcripts); c.1867C>T, p.Leu623Phe (NM_001407616.1, NM_001407617.1, NM_001407618.1 and 30 more transcripts); c.1864C>T, p.Leu622Phe (NM_001407627.1, NM_001407628.1, NM_001407629.1 and 22 more transcripts); c.1858C>T, p.Leu620Phe (NM_001407646.1, NM_001407647.1); c.1741C>T, p.Leu581Phe (NM_001407649.1, NM_001407670.1, NM_001407671.1 and 11 more transcripts); and 40 more; short protein forms L327F, L455F, L496F, L552F, L553F, L597F, L622F, L495F.
Identifiers: ClinVar variation 2823744 (VCV002823744.3), dbSNP rs2154415786, ClinGen allele CA10598283.

ClinVar aggregate classification (germline): Uncertain significance (1 of 4 stars; one submission).

Conditions:
Hereditary breast ovarian cancer syndrome. Also called: Hereditary breast and/or ovarian cancer syndrome; Hereditary breast and ovarian cancer; Hereditary breast and ovarian cancer syndrome; Breast and ovarian cancer; Hereditary breast and ovarian cancer syndrome (HBOC); BRCA1- and BRCA2-Associated Hereditary Breast and Ovarian Cancer. Identifiers: Orphanet 145, MedGen C0677776, MeSH D061325, MONDO:0003582. Disease mechanism: loss of function.

Submission:

Labcorp Genetics (formerly Invitae), Labcorp
Classification: Uncertain significance for Hereditary breast ovarian cancer syndrome. Last evaluated: 2025-08-18. Review status: criteria provided, single submitter. Criteria: Invitae Variant Classification Sherloc (09022015). Collection method: clinical testing. Allele origin: germline.
Comment: This sequence change replaces leucine, which is neutral and non-polar, with phenylalanine, which is neutral and non-polar, at codon 623 of the BRCA1 protein (p.Leu623Phe). This variant is not present in population databases (gnomAD no frequency). This variant has not been reported in the literature in individuals affected with BRCA1-related conditions. ClinVar contains an entry for this variant (Variation ID: 2823744). Invitae Evidence Modeling of protein sequence and biophysical properties (such as structural, functional, and spatial information, amino acid conservation, physicochemical variation, residue mobility, and thermodynamic stability) indicates that this missense variant is expected to disrupt BRCA1 protein function with a positive predictive value of 80%. In summary, the available evidence is currently insufficient to determine the role of this variant in disease. Therefore, it has been classified as a Variant of Uncertain Significance.